The following is an entry in ClinVar:

NM_004415.4(DSP):c.3932A>C (p.Gln1311Pro)

Gene: DSP (desmoplakin; plus strand). Cytogenetic location: 6p24.3.
Variant type: single nucleotide variant.
Coding change: c.3932A>C on transcript NM_004415.4 (MANE Select); coding-DNA position 3932, A replaced by C.
Protein change: p.Gln1311Pro; replaces glutamine 1311 with proline.
Molecular consequence: missense variant. On other transcripts: intron variant (1).
Genome position (GRCh38, 1-based): chr6:7,580,122, A>C. VCF-style: chr6-7580122-A-C. GRCh37 (hg19) VCF-style: chr6-7580355-A-C.
Other names: c.3932A>C, p.Gln1311Pro (NM_001319034.2); c.3582+350A>C (NM_001008844.3); short protein forms Q1311P.
Identifiers: ClinVar variation 2937646 (VCV002937646.4), dbSNP rs2533926698, ClinGen allele CA362685170.

ClinVar aggregate classification (germline): Uncertain significance. Review status: criteria provided, multiple submitters, no conflicts (2 of 4 stars). 2 submissions from 2 submitters: Uncertain significance (2). Last evaluated 2025-09-05.

Conditions:
Arrhythmogenic right ventricular dysplasia 8 (ARVD8). Also called: Arrhythmogenic Right Ventricular Dysplasia/Cardiomyopathy 8; ARRHYTHMOGENIC RIGHT VENTRICULAR DYSPLASIA, FAMILIAL, 8; ARRHYTHMOGENIC RIGHT VENTRICULAR CARDIOMYOPATHY 8. Identifiers: MedGen C1843896, MONDO:0011831, OMIM 607450.
Arrhythmogenic cardiomyopathy with wooly hair and keratoderma. Also called: PALMOPLANTAR KERATODERMA WITH LEFT VENTRICULAR CARDIOMYOPATHY AND WOOLLY HAIR; Carvajal syndrome; Dilated cardiomyopathy with woolly hair and keratoderma; Arrhythmogenic cardiomyopathy with woolly hair and keratoderma. Identifiers: Orphanet 65282, MedGen C1854063, MONDO:0011581, OMIM 605676.
Cardiomyopathy (CMYO). Also called: Cardiomyopathies. Identifiers: Orphanet 167848, MedGen C0878544, MONDO:0004994, HP:0001638. Inheritance: Various modes of inheritance.

Allele frequency attached by ClinVar (database versions not stated): gnomAD exomes below 0.00001.
gnomAD v4.1: 1 of 1,614,132 alleles (0.000062%); highest among the groups gnomAD compares: Non-Finnish European, 0.000085%; no homozygotes.

Submissions (2):

Color Diagnostics, LLC DBA Color Health
Classification: Uncertain significance for Cardiomyopathy. Last evaluated: 2025-09-05. Review status: criteria provided, single submitter. Criteria: ACMG Guidelines, 2015. Collection method: clinical testing. Allele origin: germline.
Comment: This missense variant replaces glutamine with proline at codon 1311 of the DSP protein. Computational prediction suggests that this variant may not impact protein structure and function. To our knowledge, functional studies have not been reported for this variant. This variant has not been reported in individuals affected with DSP-related disorders in the literature. This variant has not been identified in the general population by the Genome Aggregation Database (gnomAD). The available evidence is insufficient to determine the role of this variant in disease conclusively. Therefore, this variant is classified as a Variant of Uncertain Significance.

Labcorp Genetics (formerly Invitae), Labcorp
Classification: Uncertain significance for Arrhythmogenic cardiomyopathy with wooly hair and keratoderma; Arrhythmogenic right ventricular dysplasia 8. Last evaluated: 2023-09-12. Review status: criteria provided, single submitter. Criteria: Invitae Variant Classification Sherloc (09022015). Collection method: clinical testing. Allele origin: germline.
Comment: This variant is not present in population databases (gnomAD no frequency). This sequence change replaces glutamine, which is neutral and polar, with proline, which is neutral and non-polar, at codon 1311 of the DSP protein (p.Gln1311Pro). This variant has not been reported in the literature in individuals affected with DSP-related conditions. In summary, the available evidence is currently insufficient to determine the role of this variant in disease. Therefore, it has been classified as a Variant of Uncertain Significance. An algorithm developed to predict the effect of missense changes on protein structure and function (PolyPhen-2) suggests that this variant is likely to be tolerated.